The following is an entry in ClinVar:

NM_001142446.2(ANK1):c.127-39514_127-39512del

Gene: ANK1 (ankyrin 1; minus strand). Cytogenetic location: 8p11.21.
Variant type: Deletion.
Coding change: c.127-39514_127-39512del on transcript NM_001142446.2; 39514 bases into the intron before coding-DNA position 127 through 39512 bases into the intron before coding-DNA position 127, 3 bases deleted (GGG; older notation c.127-39514_127-39512delGGG).
Molecular consequence: intron variant.
Genome position (GRCh38, 1-based): chr8:41,797,649-41,797,651, CCC deleted on the plus strand (GGG on the coding strand, the reverse complement: ANK1 is on the minus strand); deleting any 3 consecutive bases within chr8:41,797,649-41,797,653 gives the same sequence; the c. name uses the placement nearest the transcript's 3' end. VCF-style (leftmost placement, unchanged base first): chr8-41797648-GCCC-G. GRCh37 (hg19) VCF-style: chr8-41655166-GCCC-G.
Identifiers: ClinVar variation 4981315 (VCV004981315.1).

ClinVar aggregate classification (germline): Likely benign (1 of 4 stars; one submission).

Conditions:
ANK1-related disorder. Also called: ANK1-related condition.

Submission:

PreventionGenetics, part of Exact Sciences
Classification: Likely benign for ANK1-related condition. Last evaluated: 2025-01-29. Review status: criteria provided, single submitter. Criteria: ACMG Guidelines, 2015. Collection method: clinical testing. Allele origin: germline.
Comment: This variant is classified as likely benign based on ACMG/AMP sequence variant interpretation guidelines (Richards et al. 2015 PMID: 25741868, with internal and published modifications).